The following is an entry in ClinVar:

NM_004380.3(CREBBP):c.4322G>A (p.Arg1441Gln)

Gene: CREBBP (CREB binding lysine acetyltransferase; minus strand). Cytogenetic location: 16p13.3.
Variant type: single nucleotide variant.
Coding change: c.4322G>A on transcript NM_004380.3 (MANE Select); coding-DNA position 4322, G replaced by A.
Protein change: p.Arg1441Gln; replaces arginine 1441 with glutamine.
Molecular consequence: missense variant.
Genome position (GRCh38, 1-based): chr16:3,738,631, C>T on the plus strand (G>A on the coding strand, the complement: CREBBP is on the minus strand). VCF-style: chr16-3738631-C-T. GRCh37 (hg19) VCF-style: chr16-3788632-C-T.
Other names: c.4208G>A, p.Arg1403Gln (NM_001079846.1); short protein forms R1403Q, R1441Q.
Identifiers: ClinVar variation 3353412 (VCV003353412.2).

ClinVar aggregate classification (germline): Likely benign. Review status: criteria provided, single submitter (1 of 4 stars). 2 submissions from 2 submitters: Likely benign (1). 1 of the submissions does not count toward it. Last evaluated 2020-02-04.

Conditions:
CREBBP-related disorder. Also called: CREBBP-related condition; CREBBP-related disorders.

gnomAD v4.1: 8 of 1,613,832 alleles (0.0005%); highest among the groups gnomAD compares: Admixed American, 0.005%; no homozygotes.

Submissions (2):

Blueprint Genetics
Classification: Likely benign. Last evaluated: 2020-02-04. Review status: criteria provided, single submitter. Criteria: ACMG Guidelines, 2015. Collection method: clinical testing. Allele origin: germline.

PreventionGenetics, part of Exact Sciences
Classification: Uncertain significance for CREBBP-related condition. Last evaluated: 2024-08-27. Review status: no assertion criteria provided. Collection method: clinical testing. Allele origin: germline. Not counted in ClinVar's aggregate classification.
Comment: The CREBBP c.4322G>A variant is predicted to result in the amino acid substitution p.Arg1441Gln. This variant was reported in a patient with hypoalphalipoproteinemia (Table S3 in Dong et al. 2022. PubMed ID: 35460704). This variant is reported in 0.012% of alleles in individuals of Latino descent in gnomAD. Although we suspect that this variant may be benign, at this time, the clinical significance of this variant is uncertain due to the absence of conclusive functional and genetic evidence.